The following is an entry in ClinVar:

NM_201384.3(PLEC):c.8201C>T (p.Ala2734Val)

Gene: PLEC (plectin; minus strand). Cytogenetic location: 8q24.3.
Variant type: single nucleotide variant.
Coding change: c.8201C>T on transcript NM_201384.3 (MANE Select); coding-DNA position 8201, C replaced by T.
Protein change: p.Ala2734Val; replaces alanine 2734 with valine.
Molecular consequence: missense variant.
Genome position (GRCh38, 1-based): chr8:143,921,620, G>A on the plus strand (C>T on the coding strand, the complement: PLEC is on the minus strand). VCF-style: chr8-143921620-G-A. GRCh37 (hg19) VCF-style: chr8-144995788-G-A.
Other names: p.Ala2720Val; c.8282C>T, p.Ala2761Val (NM_000445.5); c.8159C>T, p.Ala2720Val (NM_201378.4); c.8135C>T, p.Ala2712Val (NM_201379.3); c.8612C>T, p.Ala2871Val (NM_201380.4); c.8105C>T, p.Ala2702Val (NM_201381.3); c.8201C>T, p.Ala2734Val (NM_201382.4); c.8213C>T, p.Ala2738Val (NM_201383.3); short protein forms A2871V, A2712V, A2720V, A2734V, A2702V, A2761V, A2738V.
Identifiers: ClinVar variation 281590 (VCV000281590.45), dbSNP rs200202579, ClinGen allele CA4925398.
Genomic context (GRCh38, chr8:143,921,620, plus strand): 5'-ACAGCCTCGTTGACGGTCAGCCGCCGGTTCCGCACAGGGTCCAGCAGGAAGCCTGAGGCC[G>A]CCTGCGCCTCCAGCAGGATGAGGGCCGTGCCGGGACTCAGCAGCTGCCTCTGCAGGGCGG-3'
Protein context (NP_958786.1, residues 2724-2744): GTALILLEAQ[Ala2734Val]ASGFLLDPVR

ClinVar aggregate classification (germline): Conflicting classifications of pathogenicity. Review status: criteria provided, conflicting classifications (1 of 4 stars). 8 submissions from 8 submitters: Uncertain significance (1); Benign (1); Likely benign (5). 1 of the submissions does not count toward it. Last evaluated 2026-01-28.

Conditions:
Epidermolysis bullosa simplex, Ogna type (EBS5A). Also called: Pidermolysis bullosa simplex 5A, Ogna type; EPIDERMOLYSIS BULLOSA SIMPLEX 5A, OGNA TYPE. Identifiers: Orphanet 79401, MedGen C0432317, MONDO:0007555, OMIM 131950.
Epidermolysis bullosa simplex with nail dystrophy (EBS5D). Identifiers: MedGen C4225309, MONDO:0014661, OMIM 616487.
Autosomal recessive limb-girdle muscular dystrophy type 2Q (LGMDR17). Also called: MUSCULAR DYSTROPHY, LIMB-GIRDLE, AUTOSOMAL RECESSIVE 17. Identifiers: Orphanet 254361, MedGen C3150989, MONDO:0013390, OMIM 613723.
Epidermolysis bullosa simplex 5C, with pyloric atresia (EBS5C). Also called: Epidermolysis bullosa simplex with pyloric atresia; PLEC1-Related Epidermolysis Bullosa with Pyloric Atresia; PLEC-Related Epidermolysis Bullosa with Pyloric Atresia. Identifiers: Orphanet 158684, MedGen C2677349, MONDO:0012807, OMIM 612138.
Epidermolysis bullosa simplex 5B, with muscular dystrophy (EBS5B). Also called: Epidermolysis bullosa simplex with muscular dystrophy; EPIDERMOLYSIS BULLOSA SIMPLEX AND LIMB-GIRDLE MUSCULAR DYSTROPHY. Identifiers: Orphanet 257, MedGen C2931072, MONDO:0009181, OMIM 226670.
PLEC-related disorder. Also called: PLEC-related disorders; PLEC-related condition.
Inborn genetic diseases. Identifiers: MedGen C0950123, MeSH D030342.

Allele frequency attached by ClinVar (database versions not stated): 1000 Genomes Project 0.00060; 1000 Genomes Project 30x 0.00094; gnomAD 0.00118; TOPMed 0.00125; ESP Exome Variant Server 0.00136; gnomAD exomes 0.00166.
gnomAD v4.1: 2,592 of 1,612,696 alleles (0.16%); highest among the groups gnomAD compares: Non-Finnish European, 0.2%; 6 homozygotes.

Submissions (8):

Labcorp Genetics (formerly Invitae), Labcorp
Classification: Likely benign for Autosomal recessive limb-girdle muscular dystrophy type 2Q; Epidermolysis bullosa simplex, Ogna type; Epidermolysis bullosa simplex with nail dystrophy; Epidermolysis bullosa simplex 5C, with pyloric atresia; Epidermolysis bullosa simplex 5B, with muscular dystrophy. Last evaluated: 2026-01-28. Review status: criteria provided, single submitter. Criteria: Invitae Variant Classification Sherloc (09022015). Collection method: clinical testing. Allele origin: germline.

CeGaT Center for Human Genetics Tuebingen
Classification: Likely benign. Last evaluated: 2025-03-01. Review status: criteria provided, single submitter. Criteria: CeGaT Center For Human Genetics Tuebingen Variant Classification Criteria Version 2. Collection method: clinical testing. Allele origin: germline. Affected: yes. Observed: 3 variant alleles.
Comment: PLEC: BS1

Blueprint Genetics
Classification: Likely benign. Last evaluated: 2024-11-21. Review status: criteria provided, single submitter. Criteria: ACMG Guidelines, 2015. Collection method: clinical testing. Allele origin: germline.

Ambry Genetics
Classification: Uncertain significance for Inborn genetic diseases. Last evaluated: 2023-12-16. Review status: criteria provided, single submitter. Criteria: Ambry Variant Classification Scheme 2023. Collection method: clinical testing. Allele origin: germline.

Mayo Clinic Laboratories, Mayo Clinic
Classification: Benign. Last evaluated: 2023-12-06. Review status: criteria provided, single submitter. Criteria: ACMG Guidelines, 2015. Collection method: clinical testing. Allele origin: germline. Observed: 7 variant alleles.
Comment: BS1, BS2

GeneDx
Classification: Likely benign. Last evaluated: 2023-07-07. Review status: criteria provided, single submitter. Criteria: GeneDx Variant Classification Process June 2021. Collection method: clinical testing. Allele origin: germline. Affected: yes.
Comment: See Variant Classification Assertion Criteria.

Eurofins Ntd Llc (ga)
Classification: Likely benign. Last evaluated: 2015-07-16. Review status: criteria provided, single submitter. Criteria: EGL Classification Definitions 2015. Collection method: clinical testing. Allele origin: germline. Observed: 2 variant alleles, 2 heterozygotes.

PreventionGenetics, part of Exact Sciences
Classification: Likely benign for PLEC-related condition. Last evaluated: 2022-08-19. Review status: no assertion criteria provided. Collection method: clinical testing. Allele origin: germline. Not counted in ClinVar's aggregate classification.
Comment: This variant is classified as likely benign based on ACMG/AMP sequence variant interpretation guidelines (Richards et al. 2015 PMID: 25741868, with internal and published modifications).